The following is an entry in ClinVar:

NM_001267550.2(TTN):c.86399_86403del (p.Ala28799_Tyr28800insTer)

Genes: TTN (titin; minus strand), TTN-AS1 (TTN antisense RNA 1; plus strand). Cytogenetic location: 2q31.2.
Variant type: Deletion.
Coding change: c.86399_86403del on transcript NM_001267550.2 (MANE Select); coding-DNA positions 86399 to 86403, 5 bases deleted (ATGTT; older notation c.86399_86403delATGTT).
Protein change: p.Ala28799_Tyr28800insTer.
Molecular consequence: nonsense.
Genome position (GRCh38, 1-based): chr2:178,559,729-178,559,733, AACAT deleted on the plus strand (ATGTT on the coding strand, the reverse complement: TTN is on the minus strand); deleting any 5 consecutive bases within chr2:178,559,729-178,559,735 gives the same sequence; the c. name uses the placement nearest the transcript's 3' end. VCF-style (leftmost placement, unchanged base first): chr2-178559728-CAACAT-C. GRCh37 (hg19) VCF-style: chr2-179424455-CAACAT-C.
Other names: c.81476_81480del, p.Ala27158_Tyr27159insTer (NM_001256850.1); c.59204_59208del, p.Ala19734_Tyr19735insTer (NM_003319.4); c.78695_78699del, p.Ala26231_Tyr26232insTer (NM_133378.4); c.59579_59583del, p.Ala19859_Tyr19860insTer (NM_133432.3); c.59780_59784del, p.Ala19926_Tyr19927insTer (NM_133437.4).
Identifiers: ClinVar variation 2027359 (VCV002027359.4), dbSNP rs2469630370, ClinGen allele CA2580064841.

ClinVar aggregate classification (germline): Likely pathogenic (1 of 4 stars; one submission).

Conditions:
Dilated cardiomyopathy 1G (CMD1G). Identifiers: Orphanet 154, MedGen C1858763, MONDO:0011400, OMIM 604145.
Autosomal recessive limb-girdle muscular dystrophy type 2J (LGMDR10). Also called: Limb-girdle muscular dystrophy, type 2J; MUSCULAR DYSTROPHY, LIMB-GIRDLE, AUTOSOMAL RECESSIVE 10. Identifiers: Orphanet 140922, MedGen C1837342, MONDO:0012127, OMIM 608807.

Submission:

Labcorp Genetics (formerly Invitae), Labcorp
Classification: Likely pathogenic for Dilated cardiomyopathy 1G; Autosomal recessive limb-girdle muscular dystrophy type 2J. Last evaluated: 2022-08-27. Review status: criteria provided, single submitter. Criteria: Invitae Variant Classification Sherloc (09022015). Collection method: clinical testing. Allele origin: germline.
Comment: In summary, the currently available evidence indicates that the variant is pathogenic, but additional data are needed to prove that conclusively. Therefore, this variant has been classified as Likely Pathogenic. This variant is located in the A band of TTN (PMID: 25589632). Truncating variants in this region are significantly overrepresented in patients affected with dilated cardiomyopathy (PMID: 25589632). Truncating variants in this region have also been reported in individuals affected with autosomal recessive centronuclear myopathy (PMID: 23975875). This variant has not been reported in the literature in individuals affected with TTN-related conditions. This variant is not present in population databases (gnomAD no frequency). This sequence change creates a premature translational stop signal (p.Tyr28800*) in the TTN gene. While this is not anticipated to result in nonsense mediated decay, it is expected to create a truncated TTN protein.

Literature cited by the submitters: PubMed 25589632; PubMed 23975875.